The following is an entry in ClinVar:

ClinVar aggregate classification (germline): Uncertain significance (1 of 4 stars; one submission).

Conditions:
Pitt-Hopkins-like syndrome 2 (PTHSL2). Identifiers: Orphanet 221150, Orphanet 600663, MedGen C3280479, MONDO:0013690, OMIM 614325.

Submission:

Labcorp Genetics (formerly Invitae), Labcorp
Classification: Uncertain significance for Pitt-Hopkins-like syndrome 2. Last evaluated: 2019-07-19. Review status: criteria provided, single submitter. Criteria: Invitae Variant Classification Sherloc (09022015). Collection method: clinical testing. Allele origin: germline.
Comment: In summary, the available evidence is currently insufficient to determine the role of this variant in disease. Therefore, it has been classified as a Variant of Uncertain Significance. Algorithms developed to predict the effect of missense changes on protein structure and function (SIFT, PolyPhen-2, Align-GVGD) all suggest that this variant is likely to be tolerated, but these predictions have not been confirmed by published functional studies and their clinical significance is uncertain. This variant has not been reported in the literature in individuals with NRXN1-related conditions. This variant is not present in population databases (ExAC no frequency). This sequence change replaces proline with alanine at codon 501 of the NRXN1 protein (p.Pro501Ala). The proline residue is highly conserved and there is a small physicochemical difference between proline and alanine.

NM_001330078.2(NRXN1):c.1381C>G (p.Pro461Ala)

Gene: NRXN1 (neurexin 1; minus strand). Cytogenetic location: 2p16.3.
Variant type: single nucleotide variant.
Coding change: c.1381C>G on transcript NM_001330078.2 (MANE Select); coding-DNA position 1381, C replaced by G.
Protein change: p.Pro461Ala; replaces proline 461 with alanine.
Molecular consequence: missense variant.
Genome position (GRCh38, 1-based): chr2:50,552,965, G>C on the plus strand (C>G on the coding strand, the complement: NRXN1 is on the minus strand). VCF-style: chr2-50552965-G-C. GRCh37 (hg19) VCF-style: chr2-50780103-G-C.
Other names: c.1501C>G, p.Pro501Ala (NM_001135659.3); c.1357C>G, p.Pro453Ala (NM_001330077.2, NM_001330082.2, NM_001330095.2); c.1342C>G, p.Pro448Ala (NM_001330083.2, NM_001330084.2); c.1381C>G, p.Pro461Ala (NM_001330085.2, NM_001330086.2, NM_004801.6); c.1297C>G, p.Pro433Ala (NM_001330087.2, NM_001330096.2); c.1327C>G, p.Pro443Ala (NM_001330088.2); c.1378C>G, p.Pro460Ala (NM_001330093.2); c.1369C>G, p.Pro457Ala (NM_001330094.2); short protein forms P433A, P443A, P453A, P457A, P460A, P501A, P448A, P461A.
Identifiers: ClinVar variation 949458 (VCV000949458.9), dbSNP rs1667746583, ClinGen allele CA346774328.